The following is an entry in ClinVar:

ClinVar aggregate classification (germline): Pathogenic/Likely pathogenic. Review status: criteria provided, multiple submitters, no conflicts (2 of 4 stars). 5 submissions from 5 submitters: Pathogenic (3); Likely pathogenic (2). Last evaluated 2025-12-03.

Conditions:
CNGA3-related disorders.
Achromatopsia 2 (ACHM2). Also called: COLORBLINDNESS, TOTAL; ROD MONOCHROMACY 2; ROD MONOCHROMATISM 2. Identifiers: Orphanet 49382, MedGen C1857618, MONDO:0009003, OMIM 216900.

Allele frequency attached by ClinVar (database versions not stated): TOPMed below 0.00001; gnomAD 0.00001; gnomAD exomes 0.00001 and 0.00002; ExAC 0.00002.
gnomAD v4.1: 13 of 1,614,130 alleles (0.00081%); highest among the groups gnomAD compares: South Asian, 0.013%; 1 homozygote.

Submissions (5):

Women's Health and Genetics/Laboratory Corporation of America, LabCorp
Classification: Pathogenic for Achromatopsia 2. Last evaluated: 2025-12-03. Review status: criteria provided, single submitter. Criteria: LabCorp Variant Classification Summary - May 2015. Collection method: clinical testing. Allele origin: germline.
Comment: Variant summary: CNGA3 c.955T>C (p.Cys319Arg) results in a non-conservative amino acid change in the encoded protein sequence. Algorithms developed to predict the effect of missense changes on protein structure and function all suggest that this variant is likely to be disruptive. The variant allele was found at a frequency of 1.6e-05 in 251480 control chromosomes. c.955T>C has been observed in multiple individuals affected with inherited retinal disease (example: Shaikh_2015). These data indicate that the variant is very likely to be associated with disease. The following publication has been ascertained in the context of this evaluation (PMID: 25052312). ClinVar contains an entry for this variant (Variation ID: 191120). Based on the evidence outlined above, the variant was classified as pathogenic.

Blueprint Genetics
Classification: Pathogenic for CNGA3-related disorders. Last evaluated: 2024-06-14. Review status: criteria provided, single submitter. Criteria: ACMG Guidelines, 2015. Collection method: clinical testing. Allele origin: germline. Affected: yes. Observed: 2 variant alleles.

Labcorp Genetics (formerly Invitae), Labcorp
Classification: Pathogenic. Last evaluated: 2022-05-15. Review status: criteria provided, single submitter. Criteria: Invitae Variant Classification Sherloc (09022015). Collection method: clinical testing. Allele origin: germline.
Comment: For these reasons, this variant has been classified as Pathogenic. Experimental studies have shown that this missense change affects CNGA3 function (PMID: 25052312). Advanced modeling of protein sequence and biophysical properties (such as structural, functional, and spatial information, amino acid conservation, physicochemical variation, residue mobility, and thermodynamic stability) performed at Invitae indicates that this missense variant is expected to disrupt CNGA3 protein function. ClinVar contains an entry for this variant (Variation ID: 191120). This missense change has been observed in individuals with inherited retinal disease (PMID: 25052312, 26355662). It has also been observed to segregate with disease in related individuals. This variant is present in population databases (rs753625117, gnomAD 0.01%). This sequence change replaces cysteine, which is neutral and slightly polar, with arginine, which is basic and polar, at codon 319 of the CNGA3 protein (p.Cys319Arg).

Genomic Medicine Center of Excellence, King Faisal Specialist Hospital and Research Centre
Classification: Likely pathogenic. Review status: criteria provided, single submitter. Criteria: ACMG Guidelines, 2015. Collection method: research. Allele origin: germline. Affected: yes.

Neuberg Centre For Genomic Medicine, NCGM
Classification: Likely pathogenic for Achromatopsia 2. Review status: criteria provided, single submitter. Criteria: ACMG Guidelines, 2015. Collection method: clinical testing. Allele origin: germline. Affected: yes.
Comment: The missense variant p.C319R in CNGA3 (NM_001298.3) has been observed previously in homozygous state in affected individuals (Shaikh RS et al, Patel N et al). The variant has been submitted to ClinVar as Pathogenic/Likely Pathogenic. The p.C319R variant is observed in 4/30,616 (0.0131%) alleles from individuals of South Asian background in gnomAD Exomes and is novel (not in any individuals) in 1000 Genomes. The p.C319R missense variant is predicted to be damaging by both SIFT and PolyPhen2. The cysteine residue at codon 319 of CNGA3 is conserved in all mammalian species. The nucleotide c.955 in CNGA3 is predicted conserved by GERP++ and PhyloP across 100 vertebrates. For these reasons, this variant has been classified as Likely Pathogenic.

Literature cited by the submitters: PubMed 25052312 (cited by Women's Health and Genetics/Laboratory Corporation of America, LabCorp and Labcorp Genetics (formerly Invitae), Labcorp); PubMed 26355662 (cited by Labcorp Genetics (formerly Invitae), Labcorp).

NM_001298.3(CNGA3):c.955T>C (p.Cys319Arg)

Gene: CNGA3 (cyclic nucleotide gated channel subunit alpha 3; plus strand). Cytogenetic location: 2q11.2.
Variant type: single nucleotide variant.
Coding change: c.955T>C on transcript NM_001298.3 (MANE Select); coding-DNA position 955, T replaced by C.
Protein change: p.Cys319Arg; replaces cysteine 319 with arginine.
Molecular consequence: missense variant.
Genome position (GRCh38, 1-based): chr2:98,396,125, T>C. VCF-style: chr2-98396125-T-C. GRCh37 (hg19) VCF-style: chr2-99012588-T-C.
Other names: c.901T>C, p.Cys301Arg (NM_001079878.2); c.[955T>C] (NM_001298.2); short protein forms C319R, C301R.
Identifiers: ClinVar variation 191120 (VCV000191120.15), dbSNP rs753625117, ClinGen allele CA236061.
Genomic context (GRCh38, chr2:98,396,125, plus strand): 5'-AATATGTTCAGGATTGGGAACTTGGTCTTGTACATTCTCATCATCATCCACTGGAATGCC[T>C]GCATCTACTTTGCCATTTCCAAGTTCATTGGTTTTGGGACAGACTCCTGGGTCTACCCAA-3'
Protein context (NP_001289.1, residues 309-329): YILIIIHWNA[Cys319Arg]IYFAISKFIG